The following is an entry in ClinVar:

NM_001369268.1(ACAN):c.113C>T (p.Pro38Leu)

Gene: ACAN (aggrecan; plus strand). Cytogenetic location: 15q26.1.
Variant type: single nucleotide variant.
Coding change: c.113C>T on transcript NM_001369268.1 (MANE Select); coding-DNA position 113, C replaced by T.
Protein change: p.Pro38Leu; replaces proline 38 with leucine.
Molecular consequence: missense variant.
Genome position (GRCh38, 1-based): chr15:88,838,705, C>T. VCF-style: chr15-88838705-C-T. GRCh37 (hg19) VCF-style: chr15-89381936-C-T.
Other names: c.113C>T (NM_013227.3); c.113C>T, p.Pro38Leu (NM_001135.4, NM_013227.4); short protein forms P38L.
Identifiers: ClinVar variation 1599247 (VCV001599247.34), dbSNP rs548534627, ClinGen allele CA7719147.

ClinVar aggregate classification (germline): Conflicting classifications of pathogenicity. Review status: criteria provided, conflicting classifications (1 of 4 stars). 4 submissions from 4 submitters: Uncertain significance (1); Benign (1); Likely benign (2). Last evaluated 2026-04-03.

Conditions:
Inborn genetic diseases. Identifiers: MedGen C0950123, MeSH D030342.

Allele frequency attached by ClinVar (database versions not stated): gnomAD 0.00001 and 0.00013; TOPMed 0.00006; gnomAD exomes 0.00069; 1000 Genomes Project 0.00080; ExAC 0.00083; 1000 Genomes Project 30x 0.00109.
gnomAD v4.1: 531 of 1,606,428 alleles (0.033%); highest among the groups gnomAD compares: South Asian, 0.53%; 6 homozygotes.

Submissions (4):

Women's Health and Genetics/Laboratory Corporation of America, LabCorp
Classification: Likely benign. Last evaluated: 2026-04-03. Review status: criteria provided, single submitter. Criteria: LabCorp Variant Classification Summary - May 2015. Collection method: clinical testing. Allele origin: germline.
Comment: Variant summary: ACAN c.113C>T (p.Pro38Leu) results in a non-conservative amino acid change in the encoded protein sequence. Algorithms developed to predict the effect of missense changes on protein structure and function all suggest that this variant is likely to be disruptive. The variant allele was found at a frequency of 0.00069 in 243680 control chromosomes, predominantly at a frequency of 0.0055 within the South Asian subpopulation in the gnomAD database, including 2 homozygotes. The observed variant frequency within South Asian control individuals in the gnomAD database exceeds the estimated maximal expected allele frequency for disease-causing variants in ACAN. To our knowledge, no occurrence of c.113C>T in individuals affected with ACAN-related conditions and no experimental evidence demonstrating its impact on protein function have been reported. ClinVar contains an entry for this variant (Variation ID: 1599247). Based on the evidence outlined above, the variant was classified as likely benign.

Labcorp Genetics (formerly Invitae), Labcorp
Classification: Benign. Last evaluated: 2025-10-23. Review status: criteria provided, single submitter. Criteria: Invitae Variant Classification Sherloc (09022015). Collection method: clinical testing. Allele origin: germline.

Ambry Genetics
Classification: Uncertain significance for Inborn genetic diseases. Last evaluated: 2025-05-18. Review status: criteria provided, single submitter. Criteria: Ambry Variant Classification Scheme 2023. Collection method: clinical testing. Allele origin: germline.

CeGaT Center for Human Genetics Tuebingen
Classification: Likely benign. Last evaluated: 2023-03-01. Review status: criteria provided, single submitter. Criteria: CeGaT Center For Human Genetics Tuebingen Variant Classification Criteria Version 2. Collection method: clinical testing. Allele origin: germline. Affected: yes. Observed: 1 variant allele.
Comment: ACAN: BS2